The following is an entry in ClinVar:

ClinVar aggregate classification (germline): Uncertain significance. Review status: criteria provided, multiple submitters, no conflicts (2 of 4 stars). 10 submissions from 9 submitters: Uncertain significance (8). 2 of the submissions do not count toward it. Last evaluated 2026-03-25.

Conditions:
Hb SS disease (SCD). Also called: Hemoglobin SS; Sickle cell anemia; Sickle cell disease; HbS disease; Hemoglobin S Disease; Sickling disorder due to hemoglobin S. Identifiers: Orphanet 232, Orphanet 275752, MedGen C0002895, MONDO:0011382, OMIM 603903.
Heinz body anemia. Also called: Heinz body hemolytic anemia. Identifiers: Orphanet 178330, MedGen C0700299, MONDO:0007705, OMIM 140700, HP:0005511.
Dominant beta-thalassemia. Also called: Beta-thalassemia, dominant inclusion body type. Identifiers: Orphanet 231226, Orphanet 848, MedGen C1858990, MONDO:0011381, OMIM 603902.
Beta-thalassemia HBB/LCRB. Identifiers: MedGen CN322236, MONDO:0013517, OMIM 613985.
Erythrocytosis, familial, 6. Also called: POLYCYTHEMIA, BETA-GLOBIN TYPE; ERYTHROCYTOSIS, BETA-GLOBIN TYPE. Identifiers: MedGen C4693822, MONDO:0054801, OMIM 617980.
METHEMOGLOBINEMIA, BETA TYPE. Also called: Methemoglobinemia, beta-globin type. Identifiers: MedGen C1840779, OMIM 617971.
Malaria, susceptibility to. Identifiers: Orphanet 673, MedGen C1970028, MONDO:0021024, OMIM 611162.
Hereditary persistence of fetal hemoglobin. Identifiers: MedGen C0019025, MONDO:0020989, OMIM 141749.
beta Thalassemia (BTHAL). Also called: Cooley's anemia; Erythroblastic anemia; Mediterranean anemia. Identifiers: Orphanet 848, MedGen C0005283, MONDO:0019402. Disease mechanism: loss of function.

Allele frequency attached by ClinVar (database versions not stated): 1000 Genomes Project 30x 0.00016; gnomAD 0.00032; TOPMed 0.00037; 1000 Genomes Project 0.00020; gnomAD exomes 0.00026.

Submissions (10):

Women's Health and Genetics/Laboratory Corporation of America, LabCorp
Classification: Uncertain significance. Last evaluated: 2026-03-25. Review status: criteria provided, single submitter. Criteria: LabCorp Variant Classification Summary - May 2015. Collection method: clinical testing. Allele origin: germline.
Comment: Variant summary: HBB c.-106G>C is located in the untranscribed region upstream of the HBB gene region. Consensus agreement among computation tools predict no significant impact on normal splicing. However, these predictions have yet to be confirmed by functional studies. The variant allele was found at a frequency of 0.00031 in 812098 control chromosomes. This frequency is not significantly higher than estimated for disease-causing variants in HBB, allowing no conclusion about variant significance. c.-106G>C, has been reported in the literature in a compound heterozygous patient together with a beta thalassemia major disease variant (c.92+1G>A), who had a beta thalassemia intermedia phenotype (Agouti_2008). The variant was also found in a homozygous individual, who displayed some features resembling to beta thalassemia minor, i.e. mild microcytic anemia, with low mean corpuscular hemoglobin concentration (Douzi_2015). These reports suggest that the variant might cause a milder phenotype, possibly affecting the beta gene expression. However, the variant was also reported in eight heterozygous individuals showing normal hematological values (i.e. being impossible to distinguish it from healthy, non-carrier subjects), and in at least three compound heterozygote patients carrying other globin disease variants, who showed phenotypes equivalent to patients carrying only the other alleles (Vinciguerra_2018, Belmokhtar_2022); therefore, these data suggest a benign role for the variant. These data do not allow any conclusion about variant significance. To our knowledge, no experimental evidence demonstrating an impact on protein function has been reported. The following publications have been ascertained in the context of this evaluation (PMID: 18081706, 35615994, 25754248, 21423179, 27718361, 26076395, 29157184, 38708170, 38748601, 32672086, 39858575, 19657844, 25976460, 37592328, 33092544, 36861191, 27453201, 34893152, 21250885, 39515600, 32813673, 39309676). ClinVar contains an entry for this variant (Variation ID: 36281). Based on the evidence outlined above, the variant was classified as uncertain significance.

ARUP Laboratories, Molecular Genetics and Genomics, ARUP Laboratories
Classification: Uncertain significance. Last evaluated: 2024-12-26. Review status: criteria provided, single submitter. Criteria: ARUP Molecular Germline Variant Investigation Process 2024. Collection method: clinical testing. Allele origin: germline.
Comment: The HBB c.-106G>C variant (rs63750681, HbVar ID: 2601, ClinVar Variation ID: 36281), also known as -56 (G>C), has been reported with a pathogenic beta globin variant in a patient with beta thalassemia intermedia (Agouti 2008) and in a patient with beta thalassemia minor (Belmokhtar 2022). Although the study suggested that the two variants are in-trans, parental samples were not available to confirm phase (Agouti 2008, Belmokhtar 2022). The c.-106G>C variant has also been reported homozygous in an individual presenting with minor B+-thalassemia with moderate microcytic anemia and low mean corpuscular hemoglobin concentration (Douzi 2015). More recently, the c.-106G>C variant was described in 10 individuals, eight heterozygotes with normal hematological and electrophoretic values, one individual who also carried Hb S with an indistinguishable phenotype from just Hb S carriers, and one individual compound heterozygous with a beta(0) variant and anti3.7 alpha globin rearrangement (Vinciguerra 2018). The authors concluded that the c.-106G>C variant is a rare benign variant (Vinciguerra 2018). This variant is found in the general population with a low overall allele frequency of 0.04% (11/31394 alleles) in the Genome Aggregation Database (v2.1.1). The variant is located in a weakly conserved nucleotide in the promoter region of beta globin that has not been previously associated with a molecular function, but a potential mild impact could not be excluded. Based on available information, the clinical significance of this variant is uncertain at this time. REFERENCES HbVar Database: Agouti I et al. Beta-thalassemia intermedia due to two novel mutations in the promoter region of the beta-globin gene. Eur J Haematol. 2008 Apr;80(4):346-50. PMID: 18081706. Belmokhtar I et al. Molecular heterogeneity of ÃŸ-thalassemia variants in the Eastern region of Morocco. Mol Genet Genomic Med. 2022 Aug;10(8):e1970. PMID: 35615994. Douzi K et al. Two new beta+ -thalassemia mutation (B -56 (G ? C); HBBc. -106 G ? C) and (B -83 (G ? A); HBBc. -133 G ? A) described among the Tunisian population. Am J Hum Biol. 2015 Sep-Oct;27(5):716-9. PMID: 25754248. Vinciguerra M et al. Co-inheritance of HBB:c.-106G > C, a rare single nucleotide variation at position -56 relative to transcription initiation site, with other known mutations in the globin clusters. Hematology. 2018 Jul;23(6):368-372. PMID: 29157184

Fulgent Genetics
Classification: Uncertain significance for Heinz body anemia; Hereditary persistence of fetal hemoglobin; Dominant beta-thalassemia; Hb SS disease; Malaria, susceptibility to; Beta-thalassemia HBB/LCRB; METHEMOGLOBINEMIA, BETA TYPE; Erythrocytosis, familial, 6. Last evaluated: 2024-03-30. Review status: criteria provided, single submitter. Criteria: ACMG Guidelines, 2015. Collection method: clinical testing. Allele origin: germline.

Quest Diagnostics Nichols Institute San Juan Capistrano
Classification: Uncertain significance. Last evaluated: 2024-03-17. Review status: criteria provided, single submitter. Criteria: Quest Diagnostics criteria. Collection method: clinical testing. Allele origin: unknown.
Comment: The HBB c.-106G>C variant has been reported in the published literature in individuals with mild beta-thalassemia in the homozygous state or compound heterozygous state with the HBB c.92+1G>A beta(0)-thalassemia mutation (PMID: 18081706 (2008), 25754248 (2015)). More recent studies have characterized the variant as a benign variant or a silent mutation. It was observed in multiple heterozygous carriers with normal/borderline red cell indices and morphology, and compound heterozygosity with other globin mutations did not affect or worsen the phenotype (PMID: 29157184 (2017), 35615994 (2022)). Analysis of this variant using software algorithms for the prediction of the effect of nucleotide changes on splicing yielded predictions that this variant does not affect HBB mRNA splicing. Based on the available information, we are unable to determine the clinical significance of this variant.

GeneDx
Classification: Uncertain significance. Last evaluated: 2024-02-22. Review status: criteria provided, single submitter. Criteria: GeneDx Variant Classification Process June 2021. Collection method: clinical testing. Allele origin: germline. Affected: yes.
Comment: Observed in apparent homozygous state in a patient with moderate microcytic anemia in the literature (PMID: 25754248); Also known as -56C>G; This variant is associated with the following publications: (PMID: 35615994, 29157184, 18081706, 25754248)

Mayo Clinic Laboratories, Mayo Clinic
Classification: Uncertain significance. Last evaluated: 2020-01-18. Review status: criteria provided, single submitter. Criteria: ACMG Guidelines, 2015. Collection method: clinical testing. Allele origin: germline. Observed: 1 variant allele.

Baylor Genetics
Classification: Uncertain significance for Hb SS disease. Review status: criteria provided, single submitter. Criteria: ACMG Guidelines, 2015. Collection method: clinical testing. Allele origin: germline.

Baylor Genetics
Classification: Uncertain significance for Beta-thalassemia HBB/LCRB. Review status: criteria provided, single submitter. Criteria: ACMG Guidelines, 2015. Collection method: clinical testing. Allele origin: unknown.

Natera, Inc.
Classification: Uncertain significance for Beta thalassemia. Last evaluated: 2021-04-23. Review status: no assertion criteria provided. Collection method: clinical testing. Allele origin: germline. Not counted in ClinVar's aggregate classification.

The ITHANET community portal, The Cyprus Institute of Neurology and Genetics
Classification: Pathogenic for beta Thalassemia. Last evaluated: 2019-11-25. Review status: no assertion criteria provided. Collection method: curation. Allele origin: germline. Not counted in ClinVar's aggregate classification.

Literature cited by the submitters: PubMed 21250885 (cited by Women's Health and Genetics/Laboratory Corporation of America, LabCorp); PubMed 19657844 (cited by Women's Health and Genetics/Laboratory Corporation of America, LabCorp); PubMed 21423179 (cited by Women's Health and Genetics/Laboratory Corporation of America, LabCorp and Quest Diagnostics Nichols Institute San Juan Capistrano); PubMed 18081706 (cited by 3 submitters); PubMed 25754248 (cited by 3 submitters); PubMed 25976460 (cited by Women's Health and Genetics/Laboratory Corporation of America, LabCorp); PubMed 26076395 (cited by Women's Health and Genetics/Laboratory Corporation of America, LabCorp and Quest Diagnostics Nichols Institute San Juan Capistrano); PubMed 27453201 (cited by Women's Health and Genetics/Laboratory Corporation of America, LabCorp); PubMed 27718361 (cited by Women's Health and Genetics/Laboratory Corporation of America, LabCorp); PubMed 29157184 (cited by Women's Health and Genetics/Laboratory Corporation of America, LabCorp and Quest Diagnostics Nichols Institute San Juan Capistrano); PubMed 32672086 (cited by Women's Health and Genetics/Laboratory Corporation of America, LabCorp); PubMed 33092544 (cited by Women's Health and Genetics/Laboratory Corporation of America, LabCorp); PubMed 35615994 (cited by Women's Health and Genetics/Laboratory Corporation of America, LabCorp and Quest Diagnostics Nichols Institute San Juan Capistrano); PubMed 36861191 (cited by Women's Health and Genetics/Laboratory Corporation of America, LabCorp); PubMed 38708170 (cited by Women's Health and Genetics/Laboratory Corporation of America, LabCorp); PubMed 39515600 (cited by Women's Health and Genetics/Laboratory Corporation of America, LabCorp); PubMed 38748601 (cited by Women's Health and Genetics/Laboratory Corporation of America, LabCorp); PubMed 32813673 (cited by Women's Health and Genetics/Laboratory Corporation of America, LabCorp); PubMed 34893152 (cited by Women's Health and Genetics/Laboratory Corporation of America, LabCorp); PubMed 39309676 (cited by Women's Health and Genetics/Laboratory Corporation of America, LabCorp); PubMed 37592328 (cited by Women's Health and Genetics/Laboratory Corporation of America, LabCorp); PubMed 39858575 (cited by Women's Health and Genetics/Laboratory Corporation of America, LabCorp); PubMed 32126744 (cited by Quest Diagnostics Nichols Institute San Juan Capistrano).

NM_000518.5(HBB):c.-106G>C

Genes: HBB (hemoglobin subunit beta; minus strand), LOC106099062 (HBB recombination region; plus strand), LOC107133510 (origin of replication at HBB; plus strand). Cytogenetic location: 11p15.4.
Variant type: single nucleotide variant.
Coding change: c.-106G>C on transcript NM_000518.5 (MANE Select); 106 bases upstream of the start codon, G replaced by C.
Genome position (GRCh38, 1-based): chr11:5,227,127, C>G on the plus strand (G>C on the coding strand, the complement: HBB is on the minus strand). VCF-style: chr11-5227127-C-G. GRCh37 (hg19) VCF-style: chr11-5248357-C-G.
Other names: -56 G>C; c.-106G>C (NM_000518.3).
Identifiers: ClinVar variation 36281 (VCV000036281.33), dbSNP rs63750681, ClinGen allele CA342840.